The following is an entry in ClinVar:

ClinVar aggregate classification (germline): Uncertain significance. Review status: criteria provided, multiple submitters, no conflicts (2 of 4 stars). 2 submissions from 2 submitters: Uncertain significance (2). Last evaluated 2024-07-03.

Submissions (2):

Labcorp Genetics (formerly Invitae), Labcorp
Classification: Uncertain significance. Last evaluated: 2024-07-03. Review status: criteria provided, single submitter. Criteria: Invitae Variant Classification Sherloc (09022015). Collection method: clinical testing. Allele origin: germline.
Comment: This sequence change replaces arginine, which is basic and polar, with tryptophan, which is neutral and slightly polar, at codon 342 of the SLC1A3 protein (p.Arg342Trp). The frequency data for this variant in the population databases is considered unreliable, as metrics indicate poor data quality at this position in the gnomAD database. This variant has not been reported in the literature in individuals affected with SLC1A3-related conditions. Advanced modeling of protein sequence and biophysical properties (such as structural, functional, and spatial information, amino acid conservation, physicochemical variation, residue mobility, and thermodynamic stability) performed at Invitae indicates that this missense variant is expected to disrupt SLC1A3 protein function with a positive predictive value of 80%. In summary, the available evidence is currently insufficient to determine the role of this variant in disease. Therefore, it has been classified as a Variant of Uncertain Significance.

Mayo Clinic Laboratories, Mayo Clinic
Classification: Uncertain significance. Last evaluated: 2024-05-01. Review status: criteria provided, single submitter. Criteria: ACMG Guidelines, 2015. Collection method: clinical testing. Allele origin: germline. Observed: 1 variant allele.
Comment: BS2

NM_004172.5(SLC1A3):c.1024C>T (p.Arg342Trp)

Genes: SLC1A3 (solute carrier family 1 member 3; plus strand), SLC1A3-AS1 (SLC1A3 antisense RNA 1; minus strand). Cytogenetic location: 5p13.2.
Variant type: single nucleotide variant.
Coding change: c.1024C>T on transcript NM_004172.5 (MANE Select); coding-DNA position 1024, C replaced by T.
Protein change: p.Arg342Trp; replaces arginine 342 with tryptophan.
Molecular consequence: missense variant.
Genome position (GRCh38, 1-based): chr5:36,679,790, C>T. VCF-style: chr5-36679790-C-T. GRCh37 (hg19) VCF-style: chr5-36679892-C-T.
Other names: p.Arg342Trp; c.1024C>T, p.Arg342Trp (NM_001166695.3); c.886C>T, p.Arg296Trp (NM_001289939.2); c.688C>T, p.Arg230Trp (NM_001289940.2); short protein forms R230W, R296W, R342W.
Identifiers: ClinVar variation 3379586 (VCV003379586.2).